The following is an entry in ClinVar:

ClinVar aggregate classification (germline): Likely benign (1 of 4 stars; one submission).

gnomAD v4.1: 1 of 1,602,444 alleles (0.000062%); highest among the groups gnomAD compares: Admixed American, 0.0017%; no homozygotes.

Submission:

CeGaT Center for Human Genetics Tuebingen
Classification: Likely benign. Last evaluated: 2026-02-01. Review status: criteria provided, single submitter. Criteria: CeGaT Center For Human Genetics Tuebingen Variant Classification Criteria Version 2. Collection method: clinical testing. Allele origin: germline. Affected: yes. Observed: 1 variant allele.
Comment: MACF1: BP4

NM_001394062.1(MACF1):c.4648G>C (p.Gly1550Arg)

Gene: MACF1 (microtubule actin crosslinking factor 1; plus strand). Cytogenetic location: 1p34.3.
Variant type: single nucleotide variant.
Coding change: c.4648G>C on transcript NM_001394062.1 (MANE Select); coding-DNA position 4648, G replaced by C.
Protein change: p.Gly1550Arg; replaces glycine 1550 with arginine.
Molecular consequence: missense variant. On other transcripts: intron variant (1).
Genome position (GRCh38, 1-based): chr1:39,331,236, G>C. VCF-style: chr1-39331236-G-C. GRCh37 (hg19) VCF-style: chr1-39796908-G-C.
Other names: c.4629+3883G>C (NM_012090.5); short protein forms G1550R.
Identifiers: ClinVar variation 4822570 (VCV004822570.4).